The following is an entry in ClinVar:

NM_006031.6(PCNT):c.1241C>T (p.Ala414Val)

Gene: PCNT (pericentrin; plus strand). Cytogenetic location: 21q22.3.
Variant type: single nucleotide variant.
Coding change: c.1241C>T on transcript NM_006031.6 (MANE Select); coding-DNA position 1241, C replaced by T.
Protein change: p.Ala414Val; replaces alanine 414 with valine.
Molecular consequence: missense variant.
Genome position (GRCh38, 1-based): chr21:46,349,717, C>T. VCF-style: chr21-46349717-C-T. GRCh37 (hg19) VCF-style: chr21-47769631-C-T.
Other names: c.1241C>T (NM_006031.5); c.887C>T, p.Ala296Val (NM_001315529.2); short protein forms A414V, A296V.
Identifiers: ClinVar variation 1504269 (VCV001504269.4), dbSNP rs2084199246, ClinGen allele CA410556763.

ClinVar aggregate classification (germline): Uncertain significance. Review status: criteria provided, multiple submitters, no conflicts (2 of 4 stars). 2 submissions from 2 submitters: Uncertain significance (2). Last evaluated 2026-05-08.

Conditions:
PCNT-related disorder. Also called: PCNT-related condition.

Allele frequency attached by ClinVar (database versions not stated): gnomAD exomes below 0.00001; TOPMed below 0.00001.
gnomAD v4.1: 3 of 1,613,922 alleles (0.00019%); highest among the groups gnomAD compares: Admixed American, 0.0033%; no homozygotes.

Submissions (2):

PreventionGenetics, part of Exact Sciences
Classification: Uncertain significance for PCNT-related condition. Last evaluated: 2026-05-08. Review status: criteria provided, single submitter. Criteria: ACMG Guidelines, 2015. Collection method: clinical testing. Allele origin: germline.
Comment: The PCNT c.1241C>T variant is predicted to result in the amino acid substitution p.Ala414Val. To our knowledge, this variant has not been reported in the literature or in a large population database (gnomAD), indicating this variant is rare. At this time, the clinical significance of this variant is uncertain due to the absence of conclusive functional and genetic evidence.

Labcorp Genetics (formerly Invitae), Labcorp
Classification: Uncertain significance. Last evaluated: 2022-08-15. Review status: criteria provided, single submitter. Criteria: Invitae Variant Classification Sherloc (09022015). Collection method: clinical testing. Allele origin: germline.
Comment: This sequence change replaces alanine, which is neutral and non-polar, with valine, which is neutral and non-polar, at codon 414 of the PCNT protein (p.Ala414Val). This variant is not present in population databases (gnomAD no frequency). This variant has not been reported in the literature in individuals affected with PCNT-related conditions. ClinVar contains an entry for this variant (Variation ID: 1504269). Algorithms developed to predict the effect of missense changes on protein structure and function output the following: SIFT: "Tolerated"; PolyPhen-2: "Benign"; Align-GVGD: "Class C0". The valine amino acid residue is found in multiple mammalian species, which suggests that this missense change does not adversely affect protein function. In summary, the available evidence is currently insufficient to determine the role of this variant in disease. Therefore, it has been classified as a Variant of Uncertain Significance.